The following is an entry in ClinVar:

ClinVar aggregate classification (germline): Uncertain significance (1 of 4 stars; one submission).

Allele frequency attached by ClinVar (database versions not stated): gnomAD exomes below 0.00001.
gnomAD v4.1: 2 of 1,613,912 alleles (0.00012%); highest among the groups gnomAD compares: African/African-American, 0.0027%; no homozygotes.

Submission:

Labcorp Genetics (formerly Invitae), Labcorp
Classification: Uncertain significance. Last evaluated: 2023-06-05. Review status: criteria provided, single submitter. Criteria: Invitae Variant Classification Sherloc (09022015). Collection method: clinical testing. Allele origin: germline.
Comment: An algorithm developed to predict the effect of missense changes on protein structure and function (PolyPhen-2) suggests that this variant is likely to be disruptive. In summary, the available evidence is currently insufficient to determine the role of this variant in disease. Therefore, it has been classified as a Variant of Uncertain Significance. This variant has not been reported in the literature in individuals affected with CCDC88A-related conditions. This sequence change replaces glutamine, which is neutral and polar, with histidine, which is basic and polar, at codon 470 of the CCDC88A protein (p.Gln470His). This variant is present in population databases (no rsID available, gnomAD 0.007%).

NM_001365480.1(CCDC88A):c.1410A>T (p.Gln470His)

Gene: CCDC88A (coiled-coil and HOOK domain protein 88A; minus strand). Cytogenetic location: 2p16.1.
Variant type: single nucleotide variant.
Coding change: c.1410A>T on transcript NM_001365480.1 (MANE Select); coding-DNA position 1410, A replaced by T.
Protein change: p.Gln470His; replaces glutamine 470 with histidine.
Molecular consequence: missense variant.
Genome position (GRCh38, 1-based): chr2:55,339,572, T>A on the plus strand (A>T on the coding strand, the complement: CCDC88A is on the minus strand). VCF-style: chr2-55339572-T-A. GRCh37 (hg19) VCF-style: chr2-55566708-T-A.
Other names: c.1410A>T, p.Gln470His (NM_001135597.2, NM_001254943.2, NM_018084.5); short protein forms Q470H.
Identifiers: ClinVar variation 2775763 (VCV002775763.3), dbSNP rs1367804504, ClinGen allele CA346904208.